The following is an entry in ClinVar:

ClinVar aggregate classification (germline): Uncertain significance (1 of 4 stars; one submission).

Conditions:
Charcot-Marie-Tooth disease axonal type 2L. Also called: Charcot-Marie-Tooth Neuropathy Type 2L; CHARCOT-MARIE-TOOTH DISEASE, AXONAL, AUTOSOMAL DOMINANT, TYPE 2L; CHARCOT-MARIE-TOOTH NEUROPATHY, AXONAL, TYPE 2L. Identifiers: Orphanet 99945, MedGen C1837552, MONDO:0012096, OMIM 608673.

Allele frequency attached by ClinVar (database versions not stated): gnomAD exomes below 0.00001.

Submission:

Labcorp Genetics (formerly Invitae), Labcorp
Classification: Uncertain significance for Charcot-Marie-Tooth disease axonal type 2L. Last evaluated: 2023-11-01. Review status: criteria provided, single submitter. Criteria: Invitae Variant Classification Sherloc (09022015). Collection method: clinical testing. Allele origin: germline.
Comment: This sequence change replaces glycine, which is neutral and non-polar, with aspartic acid, which is acidic and polar, at codon 62 of the HSPB8 protein (p.Gly62Asp). This variant is not present in population databases (gnomAD no frequency). This variant has not been reported in the literature in individuals affected with HSPB8-related conditions. An algorithm developed to predict the effect of missense changes on protein structure and function (PolyPhen-2) suggests that this variant is likely to be disruptive. In summary, the available evidence is currently insufficient to determine the role of this variant in disease. Therefore, it has been classified as a Variant of Uncertain Significance.

NM_014365.3(HSPB8):c.185G>A (p.Gly62Asp)

Gene: HSPB8 (heat shock protein family B (small) member 8; plus strand). Cytogenetic location: 12q24.23.
Variant type: single nucleotide variant.
Coding change: c.185G>A on transcript NM_014365.3 (MANE Select); coding-DNA position 185, G replaced by A.
Protein change: p.Gly62Asp; replaces glycine 62 with aspartic acid.
Molecular consequence: missense variant.
Genome position (GRCh38, 1-based): chr12:119,179,497, G>A. VCF-style: chr12-119179497-G-A. GRCh37 (hg19) VCF-style: chr12-119617302-G-A.
Other names: short protein forms G62D.
Identifiers: ClinVar variation 2768507 (VCV002768507.3), dbSNP rs2500034633, ClinGen allele CA386524769.